The following is an entry in ClinVar:

ClinVar aggregate classification (germline): Uncertain significance (1 of 4 stars; one submission).

Submission:

GeneDx
Classification: Uncertain significance. Last evaluated: 2026-04-01. Review status: criteria provided, single submitter. Criteria: GeneDx Variant Classification Process June 2021. Collection method: clinical testing. Allele origin: germline.
Comment: Not observed at significant frequency in large population cohorts (gnomAD); In silico analysis supports that this missense variant has a deleterious effect on protein structure/function; Has not been previously published as pathogenic or benign to our knowledge

NM_001069.3(TUBB2A):c.959G>C (p.Arg320Pro)

Gene: TUBB2A (tubulin beta 2A class IIa; minus strand). Cytogenetic location: 6p25.2.
Variant type: single nucleotide variant.
Coding change: c.959G>C on transcript NM_001069.3 (MANE Select); coding-DNA position 959, G replaced by C.
Protein change: p.Arg320Pro; replaces arginine 320 with proline.
Molecular consequence: missense variant.
Genome position (GRCh38, 1-based): chr6:3,154,242, C>G on the plus strand (G>C on the coding strand, the complement: TUBB2A is on the minus strand). VCF-style: chr6-3154242-C-G. GRCh37 (hg19) VCF-style: chr6-3154476-C-G.
Other names: c.704G>C, p.Arg235Pro (NM_001310315.2); short protein forms R235P, R320P.
Identifiers: ClinVar variation 5017937 (VCV005017937.1).